The following is an entry in ClinVar:

ClinVar aggregate classification (germline): Uncertain significance (1 of 4 stars; one submission).

Allele frequency attached by ClinVar (database versions not stated): gnomAD exomes below 0.00001 and 0.00001.
gnomAD v4.1: 2 of 1,532,202 alleles (0.00013%); highest among the groups gnomAD compares: East Asian, 0.0023%; no homozygotes.

Submission:

Labcorp Genetics (formerly Invitae), Labcorp
Classification: Uncertain significance. Last evaluated: 2022-03-09. Review status: criteria provided, single submitter. Criteria: Invitae Variant Classification Sherloc (09022015). Collection method: clinical testing. Allele origin: germline.
Comment: This sequence change replaces leucine, which is neutral and non-polar, with proline, which is neutral and non-polar, at codon 614 of the IFT81 protein (p.Leu614Pro). This variant is present in population databases (no rsID available, gnomAD 0.006%). This missense change has been observed in individual(s) with retinal disease (PMID: 28460050). Algorithms developed to predict the effect of missense changes on protein structure and function are either unavailable or do not agree on the potential impact of this missense change (SIFT: "Deleterious"; PolyPhen-2: "Probably Damaging"; Align-GVGD: "Class C0"). Experimental studies have shown that this missense change affects IFT81 function (PMID: 28460050). In summary, the available evidence is currently insufficient to determine the role of this variant in disease. Therefore, it has been classified as a Variant of Uncertain Significance.

Literature cited by the submitters: PubMed 28460050.

NM_014055.4(IFT81):c.1841T>C (p.Leu614Pro)

Gene: IFT81 (intraflagellar transport 81; plus strand). Cytogenetic location: 12q24.11.
Variant type: single nucleotide variant.
Coding change: c.1841T>C on transcript NM_014055.4 (MANE Select); coding-DNA position 1841, T replaced by C.
Protein change: p.Leu614Pro; replaces leucine 614 with proline.
Molecular consequence: missense variant. On other transcripts: non-coding transcript variant (4).
Genome position (GRCh38, 1-based): chr12:110,209,209, T>C. VCF-style: chr12-110209209-T-C. GRCh37 (hg19) VCF-style: chr12-110647014-T-C.
Other names: c.1841T>C, p.Leu614Pro (NM_001143779.2); c.911T>C, p.Leu304Pro (NM_001347947.2, NM_001347948.2); short protein forms L614P, L304P.
Identifiers: ClinVar variation 1397006 (VCV001397006.3), dbSNP rs1186374130, ClinGen allele CA386910494.
Genomic context (GRCh38, chr12:110,209,209, plus strand): 5'-AATCATTATGTTGACTCCCTAGGGAACAGTATACCAAAAATACTGCTGAACAAGAAAACC[T>C]TGGAAAGGTAAGAATTATTATTTATTTTTTTAAATGTGTCTAACTGATTCAGGCTTTCAG-3'
Protein context (NP_054774.2, residues 604-624): YTKNTAEQEN[Leu614Pro]GKKLREKQKV